The following is an entry in ClinVar:

NM_000465.4(BARD1):c.1396-22_1396-20del

Gene: BARD1 (BRCA1 associated RING domain 1; minus strand). Cytogenetic location: 2q35.
Variant type: Microsatellite.
Coding change: c.1396-22_1396-20del on transcript NM_000465.4 (MANE Select); 22 bases into the intron before coding-DNA position 1396 through 20 bases into the intron before coding-DNA position 1396, 3 bases deleted (CTT; older notation c.1396-22_1396-20delCTT).
Molecular consequence: intron variant.
Genome position (GRCh38, 1-based): chr2:214,767,674-214,767,676, AAG deleted on the plus strand (CTT on the coding strand, the reverse complement: BARD1 is on the minus strand); deleting any 3 consecutive bases within chr2:214,767,674-214,767,679 gives the same sequence; the c. name uses the placement nearest the transcript's 3' end. VCF-style (leftmost placement, unchanged base first): chr2-214767673-AAAG-A. GRCh37 (hg19) VCF-style: chr2-215632397-AAAG-A.
Other names: c.159-15121_159-15119del (NM_001282548.2); c.1339-22_1339-20del (NM_001282543.2); c.216-15121_216-15119del (NM_001282545.2); c.364+24621_364+24623del (NM_001282549.2).
Identifiers: ClinVar variation 3378887 (VCV003378887.1).
Genomic context (GRCh38, chr2:214,767,673, plus strand): 5'-TAATTCCACTACCTTCAGGTGCCCATGATTGCAAGCTTCATGCTAATTAAATTTTTTGAA[AAAG>A]AAGTGAAAGAAGTGATAAGAAAGAGCAATGGATGATATTATAATATCACACTTTAGAAAA-3'

ClinVar aggregate classification (germline): Benign (1 of 4 stars; one submission).

Conditions:
Familial cancer of breast. Also called: hereditary breast carcinoma; Hereditary breast cancer; BREAST CANCER, FAMILIAL. Identifiers: Orphanet 227535, MedGen C0346153, MONDO:0016419, OMIM 114480. Disease mechanism: loss of function.

Submission:

Myriad Genetics, Inc.
Classification: Benign for Familial cancer of breast. Last evaluated: 2024-07-25. Review status: criteria provided, single submitter. Criteria: Myriad Autosomal Dominant, Autosomal Recessive and X-Linked Classification Criteria (2023). Collection method: clinical testing. Allele origin: unknown.
Comment: This variant is considered benign. This variant is intronic and is not expected to impact mRNA splicing.